The following is an entry in ClinVar:

NM_021009.7(UBC):c.522C>T (p.Thr174=)

Gene: UBC (ubiquitin C; minus strand). Cytogenetic location: 12q24.31.
Variant type: single nucleotide variant.
Coding change: c.522C>T on transcript NM_021009.7 (MANE Select); coding-DNA position 522, C replaced by T.
Protein change: p.Thr174=; no amino-acid change (threonine 174 retained).
Molecular consequence: synonymous variant.
Genome position (GRCh38, 1-based): chr12:124,913,250, G>A on the plus strand (C>T on the coding strand, the complement: UBC is on the minus strand). VCF-style: chr12-124913250-G-A. GRCh37 (hg19) VCF-style: chr12-125397796-G-A.
Identifiers: ClinVar variation 4084592 (VCV004084592.8).

ClinVar aggregate classification (germline): Likely benign (1 of 4 stars; one submission).

gnomAD v4.1: 6 of 1,606,634 alleles (0.00037%); highest among the groups gnomAD compares: Admixed American, 0.0017%; no homozygotes.

Submission:

CeGaT Center for Human Genetics Tuebingen
Classification: Likely benign. Last evaluated: 2025-06-01. Review status: criteria provided, single submitter. Criteria: CeGaT Center For Human Genetics Tuebingen Variant Classification Criteria Version 2. Collection method: clinical testing. Allele origin: germline. Affected: yes. Observed: 1 variant allele.
Comment: UBC: BP4, BP7